The following is an entry in ClinVar:

ClinVar aggregate classification (germline): Uncertain significance (1 of 4 stars; one submission).

Submission:

Labcorp Genetics (formerly Invitae), Labcorp
Classification: Uncertain significance. Last evaluated: 2025-09-07. Review status: criteria provided, single submitter. Criteria: Invitae Variant Classification Sherloc (09022015). Collection method: clinical testing. Allele origin: germline.
Comment: This variant, c.1284_1286del, results in the deletion of 1 amino acid(s) of the ANGPTL3 protein (p.Arg430del), but otherwise preserves the integrity of the reading frame. This variant is present in population databases (rs748938254, gnomAD 0.01%). This variant has been observed in individual(s) with suspected genetic dyslipidemia (PMID: 36325899). Experimental studies and prediction algorithms are not available or were not evaluated, and the functional significance of this variant is currently unknown. In summary, the available evidence is currently insufficient to determine the role of this variant in disease. Therefore, it has been classified as a Variant of Uncertain Significance.

Literature cited by the submitters: PubMed 36325899.

NM_014495.4(ANGPTL3):c.1281GAG[1] (p.Arg430del)

Genes: ANGPTL3 (angiopoietin like 3; plus strand), DOCK7 (dedicator of cytokinesis 7; minus strand). Cytogenetic location: 1p31.3.
Variant type: Microsatellite.
Coding change: c.1281GAG[1] on transcript NM_014495.4 (MANE Select); one copy of the 3-base unit GAG starting at c.1281; the reference has two copies in a row; one copy, 3 bases deleted.
Protein change: p.Arg430del; deletes arginine 430.
Molecular consequence: inframe deletion. On other transcripts: intron variant (7).
Genome position (GRCh38, 1-based): chr1:62,604,718-62,604,720, GAG deleted; deleting any 3 consecutive bases within chr1:62,604,715-62,604,720 gives the same sequence; the position shown is the placement nearest the transcript's 3' end. VCF-style (leftmost placement, unchanged base first): chr1-62604714-AGAG-A. GRCh37 (hg19) VCF-style: chr1-63070385-AGAG-A.
Other names: c.1682+13989_1682+13991del (NM_001272001.2, NM_001272000.2, NM_033407.4 and 4 more transcripts); short protein forms R430del.
Identifiers: ClinVar variation 4738621 (VCV004738621.1).
Genomic context (GRCh38, chr1:62,604,714, plus strand): 5'-AGTGTGGAGAAAACAACCTAAATGGTAAATATAACAAACCAAGAGCAAAATCTAAGCCAG[AGAG>A]GAGAAGAGGATTATCTTGGAAGTCTCAAAATGGAAGGTTATACTCTATAAAATCAACCAA-3'